The following is an entry in ClinVar:

ClinVar aggregate classification (germline): Pathogenic (1 of 4 stars; one submission).

Conditions:
PMM2-congenital disorder of glycosylation. Also called: CDG Ia; PMM2-CDG; Congenital disorder of glycosylation, type Ia; JAEKEN SYNDROME; PHOSPHOMANNOMUTASE 2 DEFICIENCY; CARBOHYDRATE-DEFICIENT GLYCOPROTEIN SYNDROME, TYPE Ia. Identifiers: Orphanet 79318, MedGen C0349653, MONDO:0008907, OMIM 212065.

Allele frequency attached by ClinVar (database versions not stated): gnomAD exomes below 0.00001; TOPMed below 0.00001; gnomAD 0.00001.

Submission:

Labcorp Genetics (formerly Invitae), Labcorp
Classification: Pathogenic for PMM2-congenital disorder of glycosylation. Last evaluated: 2025-02-28. Review status: criteria provided, single submitter. Criteria: Invitae Variant Classification Sherloc (09022015). Collection method: clinical testing. Allele origin: germline.
Comment: This sequence change creates a premature translational stop signal (p.Arg154*) in the PMM2 gene. It is expected to result in an absent or disrupted protein product. Loss-of-function variants in PMM2 are known to be pathogenic (PMID: 19862844). This variant is present in population databases (no rsID available, gnomAD 0.003%). This variant has not been reported in the literature in individuals affected with PMM2-related conditions. ClinVar contains an entry for this variant (Variation ID: 2125541). Algorithms developed to predict the effect of sequence changes on RNA splicing suggest that this variant may disrupt the consensus splice site. For these reasons, this variant has been classified as Pathogenic.

Literature cited by the submitters: PubMed 19862844.

NM_000303.3(PMM2):c.460A>T (p.Arg154Ter)

Gene: PMM2 (phosphomannomutase 2; plus strand). Cytogenetic location: 16p13.2.
Variant type: single nucleotide variant.
Coding change: c.460A>T on transcript NM_000303.3 (MANE Select); coding-DNA position 460, A replaced by T.
Protein change: p.Arg154Ter; replaces arginine 154 with a stop codon.
Molecular consequence: nonsense.
Genome position (GRCh38, 1-based): chr16:8,811,650, A>T. VCF-style: chr16-8811650-A-T. GRCh37 (hg19) VCF-style: chr16-8905507-A-T.
Other names: short protein forms R154*.
Identifiers: ClinVar variation 2125541 (VCV002125541.4), dbSNP rs1475508285, ClinGen allele CA394696893.